The following is an entry in ClinVar:

ClinVar aggregate classification (germline): Pathogenic/Likely pathogenic. Review status: criteria provided, multiple submitters, no conflicts (2 of 4 stars). 5 submissions from 5 submitters: Pathogenic (3); Likely pathogenic (2). Last evaluated 2025-09-09.

Conditions:
3-methylcrotonyl-CoA carboxylase 2 deficiency. Also called: 3 alpha methylcrotonyl-CoA carboxylase 2 deficiency; 3 alpha methylcrotonylglycinuria 2; MCC 2 deficiency; Methylcrotonylglycinuria type 2; METHYLCROTONYLGLYCINURIA, TYPE II. Identifiers: Orphanet 6, MedGen C1859499, MONDO:0008862, OMIM 210210.
MCCC2-related disorder. Also called: MCCC2-related condition.

Submissions (5):

PreventionGenetics, part of Exact Sciences
Classification: Pathogenic for MCCC2-related condition. Last evaluated: 2025-09-09. Review status: criteria provided, single submitter. Criteria: ACMG Guidelines, 2015. Collection method: clinical testing. Allele origin: germline.
Comment: The MCCC2 c.1149+1G>T variant is predicted to disrupt the GT donor site and interfere with normal splicing. This variant has been reported in the homozygous state in an individual with an abnormal newborn screen consistent with 3-methylcrotonyl-CoA carboxylase (3-MCC) deficiency (Grünert et al. 2012. PubMed ID: 22642865). This variant has not been reported in a large population database (gnomAD), indicating it is rare. Variants that disrupt the consensus splice donor site in MCCC2 are expected to be pathogenic. This variant is interpreted as pathogenic.

Natera, Inc.
Classification: Pathogenic for 3-methylcrotonyl-CoA carboxylase 2 deficiency. Last evaluated: 2025-03-31. Review status: criteria provided, single submitter. Criteria: Natera Variant Classification Schema (03/2026). Collection method: clinical testing. Allele origin: germline.
Comment: The c.1149+1G>T variant in MCCC2 is a canonical splice donor site variant predicted to affect pre-mRNA splicing, which may result in an abnormal transcript and altered protein product. This variant is expected to result in nonsense mediated decay, truncation, or a dysfunctional protein product. This variant is rare in the general population with a frequency below the threshold expected for the associated phenotype(s). This variant has been observed in one or more individuals affected with the associated recessive disease, as either homozygous or compound heterozygous with a second variant (PMID: 22642865). Given the available evidence, this variant is classified as Pathogenic.

Fulgent Genetics
Classification: Likely pathogenic for 3-methylcrotonyl-CoA carboxylase 2 deficiency. Last evaluated: 2024-02-15. Review status: criteria provided, single submitter. Criteria: ACMG Guidelines, 2015. Collection method: clinical testing. Allele origin: germline.

Baylor Genetics
Classification: Pathogenic for 3-methylcrotonyl-CoA carboxylase 2 deficiency. Last evaluated: 2023-12-21. Review status: criteria provided, single submitter. Criteria: ACMG Guidelines, 2015. Collection method: clinical testing. Allele origin: unknown.

Labcorp Genetics (formerly Invitae), Labcorp
Classification: Likely pathogenic for 3-methylcrotonyl-CoA carboxylase 2 deficiency. Last evaluated: 2022-07-03. Review status: criteria provided, single submitter. Criteria: Invitae Variant Classification Sherloc (09022015). Collection method: clinical testing. Allele origin: germline.
Comment: Disruption of this splice site has been observed in individual(s) with 3-methylcrotonyl-CoA carboxylase deficiency (PMID: 22642865). In summary, the currently available evidence indicates that the variant is pathogenic, but additional data are needed to prove that conclusively. Therefore, this variant has been classified as Likely Pathogenic. Algorithms developed to predict the effect of sequence changes on RNA splicing suggest that this variant may disrupt the consensus splice site. ClinVar contains an entry for this variant (Variation ID: 1521051). This variant is not present in population databases (gnomAD no frequency). This sequence change affects a donor splice site in intron 12 of the MCCC2 gene. It is expected to disrupt RNA splicing. Variants that disrupt the donor or acceptor splice site typically lead to a loss of protein function (PMID: 16199547), and loss-of-function variants in MCCC2 are known to be pathogenic (PMID: 11181649, 22642865).

Literature cited by the submitters: PubMed 22642865 (cited by Natera, Inc. and Labcorp Genetics (formerly Invitae), Labcorp); PubMed 16199547 (cited by Labcorp Genetics (formerly Invitae), Labcorp); PubMed 11181649 (cited by Labcorp Genetics (formerly Invitae), Labcorp).

NM_022132.5(MCCC2):c.1149+1G>T

Gene: MCCC2 (methylcrotonyl-CoA carboxylase subunit 2; plus strand). Cytogenetic location: 5q13.2.
Variant type: single nucleotide variant.
Coding change: c.1149+1G>T on transcript NM_022132.5 (MANE Select); the canonical splice donor site of the intron after coding-DNA position 1149, G replaced by T.
Molecular consequence: splice donor variant.
Genome position (GRCh38, 1-based): chr5:71,643,896, G>T. VCF-style: chr5-71643896-G-T. GRCh37 (hg19) VCF-style: chr5-70939723-G-T.
Other names: c.1035+1G>T (NM_001363147.1); c.1149+1G>T (NM_022132.4).
Identifiers: ClinVar variation 1521051 (VCV001521051.10), dbSNP rs2112460011, ClinGen allele CA359993562.